The following is an entry in ClinVar:

NM_001276270.2(MBD4):c.1208_1211del (p.Ile403fs)

Gene: MBD4 (methyl-CpG binding domain 4, DNA glycosylase; minus strand). Cytogenetic location: 3q21.3.
Variant type: Deletion.
Coding change: c.1208_1211del on transcript NM_001276270.2 (MANE Select); coding-DNA positions 1208 to 1211, 4 bases deleted (TAGA; older notation c.1208_1211delTAGA).
Protein change: p.Ile403fs; shifts the reading frame from isoleucine 403.
Molecular consequence: frameshift variant.
Genome position (GRCh38, 1-based): chr3:129,434,109-129,434,112, TCTA deleted on the plus strand (TAGA on the coding strand, the reverse complement: MBD4 is on the minus strand); deleting any 4 consecutive bases within chr3:129,434,109-129,434,115 gives the same sequence; the c. name uses the placement nearest the transcript's 3' end. VCF-style (leftmost placement, unchanged base first): chr3-129434108-TTCTA-T. GRCh37 (hg19) VCF-style: chr3-129152951-TTCTA-T.
Other names: c.1226_1229del, p.Ile409fs (NM_001276271.2, NM_001276272.2, NM_003925.3); c.272_275del, p.Ile91fs (NM_001276273.2); c.1208_1211delTAGA (NM_001276270.2); short protein forms I409fs, I403fs, I91fs.
Identifiers: ClinVar variation 3693891 (VCV003693891.4).
Genomic context (GRCh38, chr3:129,434,108, plus strand): 5'-TGGGAAAGGGATACCTTCTTTGTTATATTTGCTGGAAAAATACAGGCTTGTTTTCCTTCT[TTCTA>T]TCTGTGTTCGTGGGATGGTATCTTCTGAAAAGGAAAAGTAAACACTTTATGGAGTCTATG-3'

ClinVar aggregate classification (germline): Pathogenic. Review status: criteria provided, multiple submitters, no conflicts (2 of 4 stars). 3 submissions from 3 submitters: Pathogenic (3). Last evaluated 2026-04-10.

Conditions:
Tumor predisposition syndrome 2 (TPDS2). Also called: MBD4-Related Tumor Predisposition Syndrome; MBD4-associated neoplasia syndrome (MANS); MBD4-ASSOCIATED NEOPLASIA SYNDROME. Identifiers: Orphanet 661526, MedGen C5774186, MONDO:0859267, OMIM 619975.
Inborn genetic diseases. Identifiers: MedGen C0950123, MeSH D030342.

Submissions (3):

Myriad Genetics, Inc.
Classification: Pathogenic for Tumor predisposition syndrome 2. Last evaluated: 2026-04-10. Review status: criteria provided, single submitter. Criteria: Myriad Autosomal Dominant, Autosomal Recessive and X-Linked Classification Criteria (2023). Collection method: clinical testing. Allele origin: unknown.
Comment: This variant is considered pathogenic. This variant creates a frameshift predicted to result in premature protein truncation.

Labcorp Genetics (formerly Invitae), Labcorp
Classification: Pathogenic. Last evaluated: 2025-08-06. Review status: criteria provided, single submitter. Criteria: Invitae Variant Classification Sherloc (09022015). Collection method: clinical testing. Allele origin: germline.
Comment: This sequence change creates a premature translational stop signal (p.Ile409Lysfs*81) in the MBD4 gene. It is expected to result in an absent or disrupted protein product. Loss-of-function variants in MBD4 are known to be pathogenic (PMID: 30049810, 35460607). This variant is present in population databases (no rsID available, gnomAD 0.0009%). This variant has not been reported in the literature in individuals affected with MBD4-related conditions. ClinVar contains an entry for this variant (Variation ID: 3693891). For these reasons, this variant has been classified as Pathogenic.

Ambry Genetics
Classification: Pathogenic for Inborn genetic diseases. Last evaluated: 2025-05-22. Review status: criteria provided, single submitter. Criteria: Ambry Variant Classification Scheme 2023. Collection method: clinical testing. Allele origin: germline.
Comment: The c.1208_1211delTAGA pathogenic mutation, located in coding exon 4 of the MBD4 gene, results from a deletion of 4 nucleotides at nucleotide positions 1208 to 1211, causing a translational frameshift with a predicted alternate stop codon (p.I403Kfs*81). This variant is considered to be rare based on population cohorts in the Genome Aggregation Database (gnomAD). This alteration is expected to result in loss of function by premature protein truncation or nonsense-mediated mRNA decay. As such, this alteration is interpreted as a disease-causing mutation.

Literature cited by the submitters: PubMed 30049810 (cited by Labcorp Genetics (formerly Invitae), Labcorp); PubMed 35460607 (cited by Labcorp Genetics (formerly Invitae), Labcorp).